The following is an entry in ClinVar:

ClinVar aggregate classification (germline): Uncertain significance (1 of 4 stars; one submission).

Conditions:
Autosomal recessive nonsyndromic hearing loss 35. Identifiers: Orphanet 90636, MedGen C1837857, MONDO:0012060, OMIM 608565.

Submission:

Laboratorio de Genetica e Diagnostico Molecular, Hospital Israelita Albert Einstein
Classification: Uncertain significance for Autosomal recessive nonsyndromic hearing loss 35. Last evaluated: 2024-12-30. Review status: criteria provided, single submitter. Criteria: ACMG Guidelines, 2015. Collection method: clinical testing. Allele origin: germline. Affected: yes.
Comment: ACMG classification criteria: PM2 supporting, PP3 supporting

NM_001379180.1(ESRRB):c.455T>C (p.Ile152Thr)

Gene: ESRRB (estrogen related receptor beta; plus strand). Cytogenetic location: 14q24.3.
Variant type: single nucleotide variant.
Coding change: c.455T>C on transcript NM_001379180.1 (MANE Select); coding-DNA position 455, T replaced by C.
Protein change: p.Ile152Thr; replaces isoleucine 152 with threonine.
Molecular consequence: missense variant.
Genome position (GRCh38, 1-based): chr14:76,439,745, T>C. VCF-style: chr14-76439745-T-C. GRCh37 (hg19) VCF-style: chr14-76906088-T-C.
Other names: c.407T>C, p.Ile136Thr (NM_001411038.1); c.392T>C, p.Ile131Thr (NM_004452.4); short protein forms I131T, I136T, I152T.
Identifiers: ClinVar variation 3901998 (VCV003901998.1).